The following is an entry in ClinVar:

ClinVar aggregate classification (germline): Conflicting classifications of pathogenicity. Review status: criteria provided, conflicting classifications (1 of 4 stars). 3 submissions from 3 submitters: Uncertain significance (2); Likely benign (1). Last evaluated 2025-02-10.

Conditions:
Inborn genetic diseases. Identifiers: MedGen C0950123, MeSH D030342.

Allele frequency attached by ClinVar (database versions not stated): gnomAD exomes 0.00001; gnomAD 0.00001; ExAC 0.00001; TOPMed 0.00002.

Submissions (3):

Labcorp Genetics (formerly Invitae), Labcorp
Classification: Uncertain significance. Last evaluated: 2025-02-10. Review status: criteria provided, single submitter. Criteria: Invitae Variant Classification Sherloc (09022015). Collection method: clinical testing. Allele origin: germline.
Comment: This sequence change replaces valine, which is neutral and non-polar, with isoleucine, which is neutral and non-polar, at codon 2722 of the SZT2 protein (p.Val2722Ile). This variant is present in population databases (rs768028898, gnomAD 0.006%). This variant has not been reported in the literature in individuals affected with SZT2-related conditions. ClinVar contains an entry for this variant (Variation ID: 1312942). An algorithm developed to predict the effect of missense changes on protein structure and function outputs the following: PolyPhen-2: "Benign". The isoleucine amino acid residue is found in multiple mammalian species, which suggests that this missense change does not adversely affect protein function. In summary, the available evidence is currently insufficient to determine the role of this variant in disease. Therefore, it has been classified as a Variant of Uncertain Significance.

Ambry Genetics
Classification: Likely benign for Inborn genetic diseases. Last evaluated: 2022-04-28. Review status: criteria provided, single submitter. Criteria: Ambry Variant Classification Scheme 2023. Collection method: clinical testing. Allele origin: germline.

GeneDx
Classification: Uncertain significance. Last evaluated: 2020-07-02. Review status: criteria provided, single submitter. Criteria: GeneDx Variant Classification Process June 2021. Collection method: clinical testing. Allele origin: germline. Affected: yes.
Comment: Not observed at a significant frequency in large population cohorts (Lek et al., 2016); In silico analysis supports that this missense variant does not alter protein structure/function; Has not been previously published as pathogenic or benign to our knowledge

NM_001365999.1(SZT2):c.8335G>A (p.Val2779Ile)

Gene: SZT2 (SZT2 subunit of KICSTOR complex; plus strand). Cytogenetic location: 1p34.2.
Variant type: single nucleotide variant.
Coding change: c.8335G>A on transcript NM_001365999.1 (MANE Select); coding-DNA position 8335, G replaced by A.
Protein change: p.Val2779Ile; replaces valine 2779 with isoleucine.
Molecular consequence: missense variant.
Genome position (GRCh38, 1-based): chr1:43,443,002, G>A. VCF-style: chr1-43443002-G-A. GRCh37 (hg19) VCF-style: chr1-43908673-G-A.
Other names: c.8164G>A, p.Val2722Ile (NM_015284.4); short protein forms V2722I, V2779I.
Identifiers: ClinVar variation 1312942 (VCV001312942.6), dbSNP rs768028898, ClinGen allele CA810515.
Genomic context (GRCh38, chr1:43,443,002, plus strand): 5'-CTGGACACATTCCCCTTTGACGAGGCCCTAAGGGATATCACGGCTGCCCGCCCCAGCTCC[G>A]TACTTGGTCCTGTGCCCAGACCTCCTGATCCTGTCACCTACCATGGACAACAGTTCCTAG-3'
Protein context (NP_001352928.1, residues 2769-2789): RDITAARPSS[Val2779Ile]LGPVPRPPDP